The following is an entry in ClinVar:

NM_144997.7(FLCN):c.1579C>T (p.Arg527Ter)

Gene: FLCN (folliculin; minus strand). Cytogenetic location: 17p11.2.
Variant type: single nucleotide variant.
Coding change: c.1579C>T on transcript NM_144997.7 (MANE Select); coding-DNA position 1579, C replaced by T.
Protein change: p.Arg527Ter; replaces arginine 527 with a stop codon.
Molecular consequence: nonsense.
Genome position (GRCh38, 1-based): chr17:17,213,816, G>A on the plus strand (C>T on the coding strand, the complement: FLCN is on the minus strand). VCF-style: chr17-17213816-G-A. GRCh37 (hg19) VCF-style: chr17-17117130-G-A.
Other names: c.1579C>T (LRG_325t1); c.1633C>T, p.Arg545Ter (NM_001353229.2); c.1579C>T, p.Arg527Ter (NM_001353230.2, NM_001353231.2); short protein forms R527*, R545*.
Identifiers: ClinVar variation 253258 (VCV000253258.23), dbSNP rs879255683, ClinGen allele CA10586246.
Genomic context (GRCh38, chr17:17,213,816, plus strand): 5'-CATTGTCCTCCTCGGACGCACCCAGGATGCTCAGCAGCTTCTGTGTGTCCTCTTTGGGTC[G>A]ACTGTCCACCTTGGTGAACTTAAAAAGCACCTTCACTTTGCTGAAGAAAACCAAAACAAA-3'

ClinVar aggregate classification (germline): Pathogenic/Likely pathogenic. Review status: criteria provided, multiple submitters, no conflicts (2 of 4 stars). 9 submissions from 9 submitters: Pathogenic (8); Likely pathogenic (1). Last evaluated 2026-10-22.

Conditions:
Birt-Hogg-Dube syndrome 1 (BHD1). Also called: FIBROFOLLICULOMAS WITH TRICHODISCOMAS AND ACROCHORDONS. Identifiers: Orphanet 122, MedGen CN375946, MONDO:0800445, OMIM 135150.
Hereditary cancer-predisposing syndrome. Also called: Hereditary Cancer Syndrome; Tumor predisposition; Hereditary neoplastic syndrome; Neoplastic Syndromes, Hereditary. Identifiers: Orphanet 140162, MedGen C0027672, MeSH D009386, MONDO:0015356.
Birt-Hogg-Dube syndrome. Also called: Birt Hogg Dubé syndrome. Identifiers: Orphanet 122, MedGen C0346010, MONDO:0800444.

Allele frequency attached by ClinVar (database versions not stated): gnomAD 0.00001; TOPMed 0.00001; gnomAD exomes 0.00001.
gnomAD v4.1: 12 of 1,614,082 alleles (0.00074%); highest among the groups gnomAD compares: East Asian, 0.0045%; no homozygotes.

Submissions (9):

Department of Medical Genetics, Hatay Education and Research Hospital
Classification: Pathogenic for Birt-Hogg-Dube syndrome 1. Last evaluated: 2026-10-22. Review status: criteria provided, single submitter. Criteria: ACMG Guidelines, 2015. Collection method: clinical testing. Allele origin: germline. Affected: yes. Observed: 1 variant allele.
Comment: The c.1579C>T (p.Arg527Ter) variant in the FLCN gene (NM_144997.7) introduces a premature termination codon at codon 527. This variant is extremely rare or absent in large control population databases (PM2_Supporting). Although located in the C-terminal region and potentially escaping nonsense-mediated mRNA decay (NMD), it causes a truncation of the C-terminus, a region critical for protein stability and function, thereby fulfilling PVS1. Truncating mutations in this C-terminal region have been well-established to cause the full phenotypic spectrum of BHD syndrome (PMID: 15852235), and this specific variant has been reported in individuals with BHD syndrome (PMID: 36291753) (PP4). Furthermore, this variant is listed in ClinVar (Variation ID: 253258) with pathogenic/likely pathogenic assertions. Based on ACMG/AMP guidelines and the combined clinical and literature evidence, this variant is classified as Pathogenic for Birt-Hogg-Dubé syndrome

Victorian Clinical Genetics Services, Murdoch Childrens Research Institute
Classification: Pathogenic for Birt-Hogg-Dube syndrome 1. Last evaluated: 2026-01-26. Review status: criteria provided, single submitter. Criteria: ACMG Guidelines, 2015. Collection method: clinical testing. Allele origin: germline.
Comment: This variant is classified as Pathogenic. Evidence in support of pathogenic classification: Variant is predicted to result in a truncated protein (premature termination codon is NOT located at least 54 nucleotides upstream of the final exon-exon junction) with less than 1/3 of the protein sequence affected; Variant is present in gnomAD <0.001 for a dominant condition (v4: 12 heterozygote(s), 0 homozygote(s)); This variant has strong previous evidence of pathogenicity in unrelated individuals. This variant has been reported pathogenic and likely pathogenic by clinical laboratories in ClinVar, and has been reported in an individual with Birt–Hogg–Dubé syndrome (PMID:36291753); Other premature termination variant(s) comparable to the one identified in this case have very strong previous evidence for pathogenicity (DECIPHER). Additional information: This variant is heterozygous; This gene is associated with autosomal dominant disease; Loss of function is a known mechanism of disease in this gene and is associated with Birt-Hogg-Dube syndrome (BHDS) (MIM#135150) and primary spontaneous pneumothorax (MIM#173600).

GeneDx
Classification: Pathogenic. Last evaluated: 2025-08-12. Review status: criteria provided, single submitter. Criteria: GeneDx Variant Classification Process June 2021. Collection method: clinical testing. Allele origin: germline. Affected: yes.
Comment: Nonsense variant predicted to result in protein truncation in a gene for which loss-of-function is a known mechanism of disease; Not observed at significant frequency in large population cohorts (gnomAD); This variant is associated with the following publications: (PMID: 17028174, 19802896, 15852235, 15956655, 29357828, 31589614, 35639097, 35982159, 28191890, 35982160)

Dasa
Classification: Pathogenic. Last evaluated: 2025-07-15. Review status: criteria provided, single submitter. Criteria: DASA Assertion Criteria. Collection method: clinical testing. Allele origin: germline.
Comment: NM_144997.7(FLCN):c.1579C>T (p.Arg527*) introduces a premature termination codon predicted to result in loss of normal protein function. Loss-of-function is an established mechanism of disease for this gene. Segregation evidence has been reported in affected families. This variant has been reported in individuals with related phenotype (PMID: 15852235). The variant is present at low frequency in population datasets. Based on the available data, this variant is classified as pathogenic.

Labcorp Genetics (formerly Invitae), Labcorp
Classification: Pathogenic for Birt-Hogg-Dube syndrome. Last evaluated: 2025-06-19. Review status: criteria provided, single submitter. Criteria: Invitae Variant Classification Sherloc (09022015). Collection method: clinical testing. Allele origin: germline.
Comment: This sequence change creates a premature translational stop signal (p.Arg527*) in the FLCN gene. While this is not anticipated to result in nonsense mediated decay, it is expected to disrupt the last 53 amino acid(s) of the FLCN protein. This variant is not present in population databases (gnomAD no frequency). This premature translational stop signal has been observed in individual(s) with Birt-Hogg-Dubé syndrome (BHDS) (PMID: 15852235; internal data). It has also been observed to segregate with disease in related individuals. This variant is also known as 2034C>T. ClinVar contains an entry for this variant (Variation ID: 253258). For these reasons, this variant has been classified as Pathogenic.

Myriad Genetics, Inc.
Classification: Pathogenic for Birt-Hogg-Dube syndrome 1. Last evaluated: 2023-07-07. Review status: criteria provided, single submitter. Criteria: Myriad Autosomal Dominant, Autosomal Recessive and X-Linked Classification Criteria (2023). Collection method: clinical testing. Allele origin: unknown.
Comment: This variant is considered pathogenic. This variant creates a termination codon and is predicted to result in premature protein truncation.

Ambry Genetics
Classification: Pathogenic for Hereditary cancer-predisposing syndrome. Last evaluated: 2023-07-06. Review status: criteria provided, single submitter. Criteria: Ambry Variant Classification Scheme 2023. Collection method: clinical testing. Allele origin: germline.
Comment: The p.R527* pathogenic mutation (also known as c.1579C>T), located in coding exon 11 of the FLCN gene, results from a C to T substitution at nucleotide position 1579. This changes the amino acid from an arginine to a stop codon within coding exon 11. This stop codon occurs at the 3' terminus of FLCN, is not expected to trigger nonsense-mediated mRNA decay, and removes only the last 53 amino acids of the protein. This alteration as well as several other alterations predicted to result in C-terminal truncation have been detected in multiple individuals who meet clinical diagnostic criteria for Birt-Hogg-Dube Syndrome (Schmidt LS et al. Am. J. Hum. Genet. 2005 Jun;76:1023-33; Lim DH et al. Hum. Mutat. 2010 Jan;31(1):E1043-51; Ambry internal data). Based on the majority of available evidence to date, this alteration is interpreted as a disease-causing mutation.

Rady Children's Institute for Genomic Medicine, Rady Children's Hospital San Diego
Classification: Pathogenic for BIRT-HOGG-DUBE SYNDROME. Last evaluated: 2019-05-30. Review status: criteria provided, single submitter. Criteria: ACMG Guidelines, 2015. Collection method: clinical testing. Allele origin: germline. Affected: yes.
Comment: This nonsense mutation is found in the last exon of FLCN; the functional consequence of this variant is therefore difficult to predict. However, two pathogenic nonsense variants further 3' to this variant have been reported in individuals affected with Birt-Hogg-Dube Syndrome (PMID: 19802896, 28558743). This variant has been previously reported as a heterozygous change in individuals with Birt-Hogg-Dube Syndrome (PMID: 15852235). It is absent from the ExAC and gnomAD population databases and thus is presumed to be rare. Based on the available evidence, the c.1579C>T (p.Arg527Ter) variant is classified as Pathogenic.

Genomic Diagnostic Laboratory, Division of Genomic Diagnostics, Children's Hospital of Philadelphia
Classification: Likely pathogenic for Birt-Hogg-Dube Syndrome. Last evaluated: 2016-07-18. Review status: criteria provided, single submitter. Criteria: DGD Variant Analysis Guidelines. Collection method: clinical testing. Allele origin: germline. Affected: yes. Observed: 1 variant allele.
Comment: Clinical Testing

Literature cited by the submitters: PubMed 36291753 (cited by Department of Medical Genetics, Hatay Education and Research Hospital and Victorian Clinical Genetics Services, Murdoch Childrens Research Institute); PubMed 15852235 (cited by 5 submitters); PubMed 19802896 (cited by Department of Medical Genetics, Hatay Education and Research Hospital and Ambry Genetics).